The following is an entry in ClinVar:

NM_002335.4(LRP5):c.4431C>T (p.His1477=)

Gene: LRP5 (LDL receptor related protein 5; plus strand). Cytogenetic location: 11q13.2.
Variant type: single nucleotide variant.
Coding change: c.4431C>T on transcript NM_002335.4 (MANE Select); coding-DNA position 4431, C replaced by T.
Protein change: p.His1477=; no amino-acid change (histidine 1477 retained).
Molecular consequence: synonymous variant.
Genome position (GRCh38, 1-based): chr11:68,439,859, C>T. VCF-style: chr11-68439859-C-T. GRCh37 (hg19) VCF-style: chr11-68207327-C-T.
Other names: p.His1477=; c.2688C>T, p.His896= (NM_001291902.2).
Identifiers: ClinVar variation 514046 (VCV000514046.48), dbSNP rs11574426, ClinGen allele CA6150358.

ClinVar aggregate classification (germline): Benign/Likely benign. Review status: criteria provided, multiple submitters, no conflicts (2 of 4 stars). 12 submissions from 12 submitters: Benign (2); Likely benign (5). 5 of the submissions do not count toward it. Last evaluated 2026-05-01.

Conditions:
Exudative vitreoretinopathy 4 (EVR4). Identifiers: Orphanet 891, MedGen C1866176, MONDO:0011151, OMIM 601813.
Autosomal dominant osteopetrosis 1 (OPTA1). Also called: OSTEOPETROSIS, AUTOSOMAL DOMINANT, TYPE I. Identifiers: Orphanet 2783, MedGen C1843330, MONDO:0011877, OMIM 607634.
Worth disease. Also called: Autosomal dominant osteosclerosis, Worth type; ENDOSTEAL HYPEROSTOSIS, AUTOSOMAL DOMINANT; OSTEOSCLEROSIS, AUTOSOMAL DOMINANT. Identifiers: Orphanet 2790, MedGen C0432273, MONDO:0007764, OMIM 144750.
Exudative vitreoretinopathy 1 (EVR1). Also called: FEVR, AUTOSOMAL DOMINANT; Familial exudative vitreoretinopathy, autosomal dominant; CRISWICK-SCHEPENS SYNDROME. Identifiers: Orphanet 891, Orphanet 90050, MedGen C1851402, MONDO:0007589, OMIM 133780.
Osteoporosis with pseudoglioma (OPPG). Also called: osteoporosis-pseudoglioma syndrome. Identifiers: Orphanet 2788, MedGen C0432252, MONDO:0009820, OMIM 259770.
Osteoporosis. Identifiers: MedGen C0029456, MONDO:0005298, OMIM 166710, HP:0000939.
Polycystic liver disease 4 with or without kidney cysts. Identifiers: MedGen C4693479, MONDO:0044327, OMIM 617875.
Bone mineral density quantitative trait locus 1 (BMND1). Identifiers: MedGen C1866079, OMIM 601884.
Osteogenesis imperfecta (OI). Identifiers: Orphanet 666, MedGen C0029434, MeSH D010013, MONDO:0019019.

Allele frequency attached by ClinVar (database versions not stated): 1000 Genomes Project 30x 0.00078; 1000 Genomes Project 0.00080; TOPMed 0.00222; gnomAD exomes 0.00226 and 0.00341; gnomAD 0.00234 and 0.00238; ExAC 0.00276; ESP Exome Variant Server 0.00278.
gnomAD v4.1: 5,235 of 1,606,200 alleles (0.33%); highest among the groups gnomAD compares: Non-Finnish European, 0.4%; 9 homozygotes.

Submissions (12):

CeGaT Center for Human Genetics Tuebingen
Classification: Likely benign. Last evaluated: 2026-05-01. Review status: criteria provided, single submitter. Criteria: CeGaT Center For Human Genetics Tuebingen Variant Classification Criteria Version 2. Collection method: clinical testing. Allele origin: germline. Affected: yes. Observed: 8 variant alleles.
Comment: LRP5: BP4, BP7

Labcorp Genetics (formerly Invitae), Labcorp
Classification: Benign. Last evaluated: 2026-02-03. Review status: criteria provided, single submitter. Criteria: Invitae Variant Classification Sherloc (09022015). Collection method: clinical testing. Allele origin: germline.

Blueprint Genetics
Classification: Likely benign. Last evaluated: 2024-11-11. Review status: criteria provided, single submitter. Criteria: ACMG Guidelines, 2015. Collection method: clinical testing. Allele origin: germline.

Mayo Clinic Laboratories, Mayo Clinic
Classification: Benign. Last evaluated: 2024-05-29. Review status: criteria provided, single submitter. Criteria: ACMG Guidelines, 2015. Collection method: clinical testing. Allele origin: germline. Observed: 5 variant alleles.
Comment: BS1, BS2, BP4, BP7

Genome Diagnostics Laboratory, The Hospital for Sick Children
Classification: Likely benign for Osteogenesis imperfecta. Last evaluated: 2021-12-31. Review status: criteria provided, single submitter. Criteria: ACMG Guidelines, 2015. Collection method: clinical testing. Allele origin: germline.

Fulgent Genetics
Classification: Likely benign for Exudative vitreoretinopathy 1; Worth disease; Osteoporosis; Osteoporosis with pseudoglioma; Exudative vitreoretinopathy 4; Bone mineral density quantitative trait locus 1; Autosomal dominant osteopetrosis 1; Polycystic liver disease 4 with or without kidney cysts. Last evaluated: 2021-08-05. Review status: criteria provided, single submitter. Criteria: ACMG Guidelines, 2015. Collection method: clinical testing. Allele origin: unknown.

GeneDx
Classification: Likely benign. Last evaluated: 2017-12-04. Review status: criteria provided, single submitter. Criteria: GeneDx Variant Classification (06012015). Collection method: clinical testing. Allele origin: germline. Affected: yes.
Comment: This variant is considered likely benign or benign based on one or more of the following criteria: it is a conservative change, it occurs at a poorly conserved position in the protein, it is predicted to be benign by multiple in silico algorithms, and/or has population frequency not consistent with disease.

Genetic Services Laboratory, University of Chicago
Classification: Likely benign. Last evaluated: 2022-12-20. Review status: no assertion criteria provided. Collection method: clinical testing. Allele origin: germline. Affected: no. Not counted in ClinVar's aggregate classification.

Clinical Genetics DNA and cytogenetics Diagnostics Lab, Erasmus MC, Erasmus Medical Center
Classification: Likely benign. Review status: no assertion criteria provided. Collection method: clinical testing. Allele origin: germline. Affected: yes. Study: VKGL Data-share Consensus. Not counted in ClinVar's aggregate classification.

Clinical Genetics, Academic Medical Center
Classification: Benign. Review status: no assertion criteria provided. Collection method: clinical testing. Allele origin: germline. Affected: yes. Study: VKGL Data-share Consensus. Not counted in ClinVar's aggregate classification.

Genome Diagnostics Laboratory, Amsterdam University Medical Center
Classification: Benign. Review status: no assertion criteria provided. Collection method: clinical testing. Allele origin: germline. Affected: yes. Study: VKGL Data-share Consensus. Not counted in ClinVar's aggregate classification.

Joint Genome Diagnostic Labs from Nijmegen and Maastricht, Radboudumc and MUMC+
Classification: Likely benign. Review status: no assertion criteria provided. Collection method: clinical testing. Allele origin: germline. Affected: yes. Study: VKGL Data-share Consensus. Not counted in ClinVar's aggregate classification.